The following is an entry in ClinVar:

ClinVar aggregate classification (germline): Uncertain significance (1 of 4 stars; one submission).

Submission:

Ambry Genetics
Classification: Uncertain significance. Last evaluated: 2024-09-18. Review status: criteria provided, single submitter. Criteria: Ambry Variant Classification Scheme 2023. Collection method: clinical testing. Allele origin: germline.
Comment: The p.N1859D variant (also known as c.5575A>G), located in coding exon 42 of the PRKDC gene, results from an A to G substitution at nucleotide position 5575. The asparagine at codon 1859 is replaced by aspartic acid, an amino acid with highly similar properties. This amino acid position is conserved. In addition, this alteration is predicted to be tolerated by in silico analysis. Based on the available evidence, the clinical significance of this variant remains unclear.

NM_006904.7(PRKDC):c.5575A>G (p.Asn1859Asp)

Gene: PRKDC (protein kinase, DNA-activated, catalytic subunit; minus strand). Cytogenetic location: 8q11.21.
Variant type: single nucleotide variant.
Coding change: c.5575A>G on transcript NM_006904.7 (MANE Select); coding-DNA position 5575, A replaced by G.
Protein change: p.Asn1859Asp; replaces asparagine 1859 with aspartic acid.
Molecular consequence: missense variant.
Genome position (GRCh38, 1-based): chr8:47,863,574, T>C on the plus strand (A>G on the coding strand, the complement: PRKDC is on the minus strand). VCF-style: chr8-47863574-T-C. GRCh37 (hg19) VCF-style: chr8-48776135-T-C.
Other names: c.5575A>G, p.Asn1859Asp (NM_001081640.2); short protein forms N1859D.
Identifiers: ClinVar variation 3425252 (VCV003425252.1).
Genomic context (GRCh38, chr8:47,863,574, plus strand): 5'-CGTCTAGAATCTTATAGTAGCCCATCTTCTTGGTGATTTGAGTATCAAAGGTAGATTCAT[T>C]TAGCTTCAAAAAGGTAAAAAATAATTATCTTTGGTCTTATTAAACATGAAATACATCTTA-3'
Protein context (NP_008835.5, residues 1849-1869): DVLKSRFTKL[Asn1859Asp]ESTFDTQITK